The following is an entry in ClinVar:

ClinVar aggregate classification (germline): Likely benign (1 of 4 stars; one submission).

Submission:

CeGaT Center for Human Genetics Tuebingen
Classification: Likely benign. Last evaluated: 2022-11-01. Review status: criteria provided, single submitter. Criteria: CeGaT Center For Human Genetics Tuebingen Variant Classification Criteria Version 2. Collection method: clinical testing. Allele origin: germline. Affected: yes. Observed: 1 variant allele.
Comment: KDM6B: BP4, BP7

NM_001348716.2(KDM6B):c.1530A>C (p.Gly510=)

Gene: KDM6B (lysine demethylase 6B; plus strand). Cytogenetic location: 17p13.1.
Variant type: single nucleotide variant.
Coding change: c.1530A>C on transcript NM_001348716.2 (MANE Select); coding-DNA position 1530, A replaced by C.
Protein change: p.Gly510=; no amino-acid change (glycine 510 retained).
Molecular consequence: synonymous variant.
Genome position (GRCh38, 1-based): chr17:7,847,818, A>C. VCF-style: chr17-7847818-A-C. GRCh37 (hg19) VCF-style: chr17-7751136-A-C.
Other names: c.1530A>C, p.Gly510= (NM_001080424.2).
Identifiers: ClinVar variation 2647400 (VCV002647400.24), dbSNP rs2151377128, ClinGen allele CA497946809.
Genomic context (GRCh38, chr17:7,847,818, plus strand): 5'-CTGCCGGGCAGCCCGAGAGGATGGAGAGATCTTAGAAGAGCTCTTCTTTGGGACTGAGGG[A>C]CCCCCCCGCCCTGCCCCACCACCCCTCCCCCATCGCGAGGGCTTCTTGGGGCCTCCGGCC-3'
Protein context (NP_001335645.1, residues 500-520): ILEELFFGTE[Gly510=]PPRPAPPPLP